The following is an entry in ClinVar:

NM_001844.5(COL2A1):c.628G>A (p.Gly210Arg)

Gene: COL2A1 (collagen type II alpha 1 chain; minus strand). Cytogenetic location: 12q13.11.
Variant type: single nucleotide variant.
Coding change: c.628G>A on transcript NM_001844.5 (MANE Select); coding-DNA position 628, G replaced by A.
Protein change: p.Gly210Arg; replaces glycine 210 with arginine.
Molecular consequence: missense variant.
Genome position (GRCh38, 1-based): chr12:47,995,901, C>T on the plus strand (G>A on the coding strand, the complement: COL2A1 is on the minus strand). VCF-style: chr12-47995901-C-T. GRCh37 (hg19) VCF-style: chr12-48389684-C-T.
Other names: c.421G>A, p.Gly141Arg (NM_033150.3); short protein forms G210R, G141R.
Identifiers: ClinVar variation 2819920 (VCV002819920.3), dbSNP rs2540175371, ClinGen allele CA384523921.

ClinVar aggregate classification (germline): Likely pathogenic (1 of 4 stars; one submission).

Submission:

Labcorp Genetics (formerly Invitae), Labcorp
Classification: Likely pathogenic. Last evaluated: 2022-12-10. Review status: criteria provided, single submitter. Criteria: Invitae Variant Classification Sherloc (09022015). Collection method: clinical testing. Allele origin: germline.
Comment: In summary, the currently available evidence indicates that the variant is pathogenic, but additional data are needed to prove that conclusively. Therefore, this variant has been classified as Likely Pathogenic. This variant disrupts the triple helix domain of COL2A1. Glycine residues within the Gly-Xaa-Yaa repeats of the triple helix domain are required for the structure and stability of fibrillar collagens (PMID: 7695699, 8218237, 19344236). In COL2A1, variants affecting these glycine residues are significantly enriched in individuals with disease (PMID: 9016532, 17078022) compared to the general population (ExAC). Advanced modeling of protein sequence and biophysical properties (such as structural, functional, and spatial information, amino acid conservation, physicochemical variation, residue mobility, and thermodynamic stability) performed at Invitae indicates that this missense variant is expected to disrupt COL2A1 protein function. This variant has not been reported in the literature in individuals affected with COL2A1-related conditions. This variant is not present in population databases (gnomAD no frequency). This sequence change replaces glycine, which is neutral and non-polar, with arginine, which is basic and polar, at codon 210 of the COL2A1 protein (p.Gly210Arg).

Literature cited by the submitters: PubMed 7695699; PubMed 8218237; PubMed 19344236; PubMed 9016532; PubMed 17078022.